The following is an entry in ClinVar:

ClinVar aggregate classification (germline): Uncertain significance. Review status: criteria provided, multiple submitters, no conflicts (2 of 4 stars). 2 submissions from 2 submitters: Uncertain significance (2). Last evaluated 2024-03-06.

Conditions:
Ehlers-Danlos syndrome, type 4 (EDSVASC). Also called: Ehlers-Danlos syndrome vascular type; Ehlers Danlos syndrome, ecchymotic type; Ehlers Danlos syndrome, arterial type; Ehlers Danlos syndrome, Sack-Barabas type; Ehlers-Danlos Syndrome Type IV. Identifiers: Orphanet 286, MedGen C0268338, MONDO:0017314, OMIM 130050.
Familial thoracic aortic aneurysm and aortic dissection (TAAD). Also called: Thoracic aortic aneurysms and dissections. Identifiers: Orphanet 91387, MedGen C4707243, MONDO:0019625.

Submissions (2):

Color Diagnostics, LLC DBA Color Health
Classification: Uncertain significance for Familial thoracic aortic aneurysm and aortic dissection. Last evaluated: 2024-03-06. Review status: criteria provided, single submitter. Criteria: ACMG Guidelines, 2015. Collection method: clinical testing. Allele origin: germline.
Comment: This missense variant replaces serine with arginine at codon 1425 of the COL3A1 protein. Computational prediction suggests that this variant may not impact protein structure and function (internally defined REVEL score threshold <= 0.5, PMID: 27666373). To our knowledge, functional studies have not been reported for this variant. This variant has not been reported in individuals affected with cardiovascular disorders in the literature. This variant has not been identified in the general population by the Genome Aggregation Database (gnomAD). The available evidence is insufficient to determine the role of this variant in disease conclusively. Therefore, this variant is classified as a Variant of Uncertain Significance.

Labcorp Genetics (formerly Invitae), Labcorp
Classification: Uncertain significance for Ehlers-Danlos syndrome, type 4. Last evaluated: 2022-08-19. Review status: criteria provided, single submitter. Criteria: Invitae Variant Classification Sherloc (09022015). Collection method: clinical testing. Allele origin: germline.
Comment: ClinVar contains an entry for this variant (Variation ID: 1172008). This variant has not been reported in the literature in individuals affected with COL3A1-related conditions. This variant is not present in population databases (gnomAD no frequency). This sequence change replaces serine, which is neutral and polar, with arginine, which is basic and polar, at codon 1425 of the COL3A1 protein (p.Ser1425Arg). In summary, the available evidence is currently insufficient to determine the role of this variant in disease. Therefore, it has been classified as a Variant of Uncertain Significance. Advanced modeling of protein sequence and biophysical properties (such as structural, functional, and spatial information, amino acid conservation, physicochemical variation, residue mobility, and thermodynamic stability) performed at Invitae indicates that this missense variant is not expected to disrupt COL3A1 protein function.

NM_000090.4(COL3A1):c.4275C>G (p.Ser1425Arg)

Gene: COL3A1 (collagen type III alpha 1 chain; plus strand). Cytogenetic location: 2q32.2.
Variant type: single nucleotide variant.
Coding change: c.4275C>G on transcript NM_000090.4 (MANE Select); coding-DNA position 4275, C replaced by G.
Protein change: p.Ser1425Arg; replaces serine 1425 with arginine.
Molecular consequence: missense variant.
Genome position (GRCh38, 1-based): chr2:189,011,648, C>G. VCF-style: chr2-189011648-C-G. GRCh37 (hg19) VCF-style: chr2-189876374-C-G.
Other names: short protein forms S1425R.
Identifiers: ClinVar variation 1172008 (VCV001172008.9), dbSNP rs1688728943, ClinGen allele CA349850244.
Genomic context (GRCh38, chr2:189,011,648, plus strand): 5'-TGTAATGTCATGATCATGTACATTTTGTCCTTTTTTACAGAAACACACTGGGGAATGGAG[C>G]AAAACAGTCTTTGAATATCGAACACGCAAGGCTGTGAGACTACCTATTGTAGATATTGCA-3'
Protein context (NP_000081.2, residues 1415-1435): DGCTKHTGEW[Ser1425Arg]KTVFEYRTRK